The following is an entry in ClinVar:

ClinVar aggregate classification (germline): Uncertain significance. Review status: criteria provided, multiple submitters, no conflicts (2 of 4 stars). 2 submissions from 2 submitters: Uncertain significance (2). Last evaluated 2022-11-23.

Allele frequency attached by ClinVar (database versions not stated): gnomAD exomes below 0.00001.
gnomAD v4.1: 2 of 1,613,866 alleles (0.00012%); highest among the groups gnomAD compares: Non-Finnish European, 0.00017%; no homozygotes.

Submissions (2):

GeneDx
Classification: Uncertain significance. Last evaluated: 2022-11-23. Review status: criteria provided, single submitter. Criteria: GeneDx Variant Classification Process June 2021. Collection method: clinical testing. Allele origin: germline. Affected: yes.
Comment: In silico analysis supports that this missense variant has a deleterious effect on protein structure/function; Has not been previously published as pathogenic or benign to our knowledge

CeGaT Center for Human Genetics Tuebingen
Classification: Uncertain significance. Last evaluated: 2018-09-01. Review status: criteria provided, single submitter. Criteria: CeGaT Center For Human Genetics Tuebingen Variant Classification Criteria Version 2. Collection method: clinical testing. Allele origin: germline. Affected: yes. Observed: 5 variant alleles.

NM_001378452.1(ITPR1):c.4424G>T (p.Ser1475Ile)

Gene: ITPR1 (inositol 1,4,5-trisphosphate receptor type 1; plus strand). Cytogenetic location: 3p26.1.
Variant type: single nucleotide variant.
Coding change: c.4424G>T on transcript NM_001378452.1 (MANE Select); coding-DNA position 4424, G replaced by T.
Protein change: p.Ser1475Ile; replaces serine 1475 with isoleucine.
Molecular consequence: missense variant.
Genome position (GRCh38, 1-based): chr3:4,699,829, G>T. VCF-style: chr3-4699829-G-T. GRCh37 (hg19) VCF-style: chr3-4741513-G-T.
Other names: c.4397G>T, p.Ser1466Ile (NM_001099952.4); c.4379G>T, p.Ser1460Ile (NM_001168272.2); c.4352G>T, p.Ser1451Ile (NM_002222.7); c.4352G>T (NM_002222.5); short protein forms S1460I, S1466I, S1451I, S1475I.
Identifiers: ClinVar variation 546926 (VCV000546926.44), dbSNP rs1206311675, ClinGen allele CA351633013.